The following is an entry in ClinVar:

NM_001184.4(ATR):c.3827C>T (p.Ser1276Phe)

Gene: ATR (ATR checkpoint kinase; minus strand). Cytogenetic location: 3q23.
Variant type: single nucleotide variant.
Coding change: c.3827C>T on transcript NM_001184.4 (MANE Select); coding-DNA position 3827, C replaced by T.
Protein change: p.Ser1276Phe; replaces serine 1276 with phenylalanine.
Molecular consequence: missense variant.
Genome position (GRCh38, 1-based): chr3:142,535,198, G>A on the plus strand (C>T on the coding strand, the complement: ATR is on the minus strand). VCF-style: chr3-142535198-G-A. GRCh37 (hg19) VCF-style: chr3-142254040-G-A.
Other names: c.3827C>T (NM_001184.3); c.3635C>T, p.Ser1212Phe (NM_001354579.2); short protein forms S1212F, S1276F.
Identifiers: ClinVar variation 1438560 (VCV001438560.9), dbSNP rs1305717049, ClinGen allele CA354806431.

ClinVar aggregate classification (germline): Uncertain significance. Review status: criteria provided, multiple submitters, no conflicts (2 of 4 stars). 2 submissions from 2 submitters: Uncertain significance (2). Last evaluated 2024-09-08.

Conditions:
Inborn genetic diseases. Identifiers: MedGen C0950123, MeSH D030342.

Allele frequency attached by ClinVar (database versions not stated): gnomAD exomes below 0.00001 and 0.00002.
gnomAD v4.1: 13 of 1,613,076 alleles (0.00081%); highest among the groups gnomAD compares: Non-Finnish European, 0.0011%; no homozygotes.

Submissions (2):

Ambry Genetics
Classification: Uncertain significance for Inborn genetic diseases. Last evaluated: 2024-09-08. Review status: criteria provided, single submitter. Criteria: Ambry Variant Classification Scheme 2023. Collection method: clinical testing. Allele origin: germline.

Labcorp Genetics (formerly Invitae), Labcorp
Classification: Uncertain significance. Last evaluated: 2020-11-06. Review status: criteria provided, single submitter. Criteria: Invitae Variant Classification Sherloc (09022015). Collection method: clinical testing. Allele origin: germline.
Comment: In summary, the available evidence is currently insufficient to determine the role of this variant in disease. Therefore, it has been classified as a Variant of Uncertain Significance. Algorithms developed to predict the effect of missense changes on protein structure and function are either unavailable or do not agree on the potential impact of this missense change (SIFT: "Deleterious"; PolyPhen-2: "Possibly Damaging"; Align-GVGD: "Class C15"). This variant has not been reported in the literature in individuals with ATR-related conditions. This variant is not present in population databases (ExAC no frequency). This sequence change replaces serine with phenylalanine at codon 1276 of the ATR protein (p.Ser1276Phe). The serine residue is moderately conserved and there is a large physicochemical difference between serine and phenylalanine.